The following is an entry in ClinVar:

ClinVar aggregate classification (germline): Uncertain significance. Review status: criteria provided, multiple submitters, no conflicts (2 of 4 stars). 2 submissions from 2 submitters: Uncertain significance (2). Last evaluated 2021-08-27.

Conditions:
Hereditary cancer-predisposing syndrome. Also called: Neoplastic Syndromes, Hereditary; Hereditary Cancer Syndrome; Hereditary neoplastic syndrome; Tumor predisposition. Identifiers: Orphanet 140162, MedGen C0027672, MeSH D009386, MONDO:0015356.
Hereditary nonpolyposis colorectal neoplasms. Identifiers: MedGen C0009405, MeSH D003123.

Submissions (2):

Labcorp Genetics (formerly Invitae), Labcorp
Classification: Uncertain significance for Hereditary nonpolyposis colorectal neoplasms. Last evaluated: 2021-08-27. Review status: criteria provided, single submitter. Criteria: Invitae Variant Classification Sherloc (09022015). Collection method: clinical testing. Allele origin: germline.
Comment: This sequence change replaces glycine with glutamic acid at codon 720 of the PMS2 protein (p.Gly720Glu). The glycine residue is moderately conserved and there is a moderate physicochemical difference between glycine and glutamic acid. The frequency data for this variant in the population databases (ExAC) is considered unreliable due to the presence of homologous sequence, such as pseudogenes or paralogs, in the genome. This variant has not been reported in the literature in individuals affected with PMS2-related conditions. Advanced modeling of protein sequence and biophysical properties (such as structural, functional, and spatial information, amino acid conservation, physicochemical variation, residue mobility, and thermodynamic stability) performed at Invitae indicates that this missense variant is not expected to disrupt PMS2 protein function. In summary, the available evidence is currently insufficient to determine the role of this variant in disease. Therefore, it has been classified as a Variant of Uncertain Significance.

Ambry Genetics
Classification: Uncertain significance for Hereditary cancer-predisposing syndrome. Last evaluated: 2019-05-07. Review status: criteria provided, single submitter. Criteria: Ambry Variant Classification Scheme 2023. Collection method: clinical testing. Allele origin: germline.
Comment: The p.G720E variant (also known as c.2159G>A), located in coding exon 12 of the PMS2 gene, results from a G to A substitution at nucleotide position 2159. The glycine at codon 720 is replaced by glutamic acid, an amino acid with similar properties. This amino acid position is not well conserved in available vertebrate species. Since supporting evidence is limited at this time, the clinical significance of this alteration remains unclear.

NM_000535.7(PMS2):c.2159G>A (p.Gly720Glu)

Gene: PMS2 (PMS1 homolog 2, mismatch repair system component; minus strand). Cytogenetic location: 7p22.1.
Variant type: single nucleotide variant.
Coding change: c.2159G>A on transcript NM_000535.7 (MANE Select); coding-DNA position 2159, G replaced by A.
Protein change: p.Gly720Glu; replaces glycine 720 with glutamic acid.
Molecular consequence: missense variant. On other transcripts: non-coding transcript variant (1).
Genome position (GRCh38, 1-based): chr7:5,982,839, C>T on the plus strand (G>A on the coding strand, the complement: PMS2 is on the minus strand). VCF-style: chr7-5982839-C-T. GRCh37 (hg19) VCF-style: chr7-6022470-C-T.
Other names: c.1754G>A, p.Gly585Glu (NM_001322003.2, NM_001322004.2, NM_001322005.2 and 1 more transcripts); c.2003G>A, p.Gly668Glu (NM_001322006.2); c.1841G>A, p.Gly614Glu (NM_001322007.2, NM_001322008.2); c.1598G>A, p.Gly533Glu (NM_001322010.2); c.1226G>A, p.Gly409Glu (NM_001322011.2, NM_001322012.2); c.1586G>A, p.Gly529Glu (NM_001322013.2); c.2159G>A, p.Gly720Glu (NM_001322014.2); c.1850G>A, p.Gly617Glu (NM_001322015.2); short protein forms G720E, G409E, G529E, G585E, G617E, G668E, G533E, G614E.
Identifiers: ClinVar variation 1420491 (VCV001420491.7), dbSNP rs2128702406, ClinGen allele CA366737868.